The following is an entry in ClinVar:

ClinVar aggregate classification (germline): Pathogenic (1 of 4 stars; one submission).

Submission:

GeneDx
Classification: Pathogenic. Last evaluated: 2024-04-25. Review status: criteria provided, single submitter. Criteria: GeneDx Variant Classification Process June 2021. Collection method: clinical testing. Allele origin: germline. Affected: yes.
Comment: Not observed at significant frequency in large population cohorts (gnomAD); In silico analysis supports that this missense variant has a deleterious effect on protein structure/function; Missense variants in this gene are a common cause of disease and they are underrepresented in the general population; This variant is associated with the following publications: (PMID: 32588558)

NM_001101.5(ACTB):c.1004G>A (p.Arg335His)

Gene: ACTB (actin beta; minus strand). Cytogenetic location: 7p22.1.
Variant type: single nucleotide variant.
Coding change: c.1004G>A on transcript NM_001101.5 (MANE Select); coding-DNA position 1004, G replaced by A.
Protein change: p.Arg335His; replaces arginine 335 with histidine.
Molecular consequence: missense variant.
Genome position (GRCh38, 1-based): chr7:5,527,872, C>T on the plus strand (G>A on the coding strand, the complement: ACTB is on the minus strand). VCF-style: chr7-5527872-C-T. GRCh37 (hg19) VCF-style: chr7-5567503-C-T.
Other names: short protein forms R335H.
Identifiers: ClinVar variation 3369117 (VCV003369117.1).
Genomic context (GRCh38, chr7:5,527,872, plus strand): 5'-ATCTGCTGGAAGGTGGACAGCGAGGCCAGGATGGAGCCGCCGATCCACACGGAGTACTTG[C>T]GCTCAGGAGGAGCAATGATCTGAGGAGGGAAGGGGACAGGCAGTGAGGACCCTGGATGTG-3'
Protein context (NP_001092.1, residues 325-345): MKIKIIAPPE[Arg335His]KYSVWIGGSI